The following is an entry in ClinVar:

NM_005529.7(HSPG2):c.4348G>A (p.Ala1450Thr)

Gene: HSPG2 (heparan sulfate proteoglycan 2; minus strand). Cytogenetic location: 1p36.12.
Variant type: single nucleotide variant.
Coding change: c.4348G>A on transcript NM_005529.7 (MANE Select); coding-DNA position 4348, G replaced by A.
Protein change: p.Ala1450Thr; replaces alanine 1450 with threonine.
Molecular consequence: missense variant.
Genome position (GRCh38, 1-based): chr1:21,865,332, C>T on the plus strand (G>A on the coding strand, the complement: HSPG2 is on the minus strand). VCF-style: chr1-21865332-C-T. GRCh37 (hg19) VCF-style: chr1-22191825-C-T.
Other names: c.4351G>A, p.Ala1451Thr (NM_001291860.2); short protein forms A1451T, A1450T.
Identifiers: ClinVar variation 1360127 (VCV001360127.8), dbSNP rs769270841, ClinGen allele CA672299.

ClinVar aggregate classification (germline): Uncertain significance (1 of 4 stars; one submission).

Allele frequency attached by ClinVar (database versions not stated): gnomAD exomes below 0.00001; ExAC 0.00001.
gnomAD v4.1: 1 of 1,614,122 alleles (0.000062%); highest among the groups gnomAD compares: East Asian, 0.0022%; no homozygotes.

Submission:

Labcorp Genetics (formerly Invitae), Labcorp
Classification: Uncertain significance. Last evaluated: 2024-02-24. Review status: criteria provided, single submitter. Criteria: Invitae Variant Classification Sherloc (09022015). Collection method: clinical testing. Allele origin: germline.
Comment: This sequence change replaces alanine, which is neutral and non-polar, with threonine, which is neutral and polar, at codon 1450 of the HSPG2 protein (p.Ala1450Thr). This variant is present in population databases (rs769270841, gnomAD 0.006%). This variant has not been reported in the literature in individuals affected with HSPG2-related conditions. ClinVar contains an entry for this variant (Variation ID: 1360127). Algorithms developed to predict the effect of missense changes on protein structure and function output the following: SIFT: "Not Available"; PolyPhen-2: "Benign"; Align-GVGD: "Not Available". The threonine amino acid residue is found in multiple mammalian species, which suggests that this missense change does not adversely affect protein function. In summary, the available evidence is currently insufficient to determine the role of this variant in disease. Therefore, it has been classified as a Variant of Uncertain Significance.